The following is an entry in ClinVar:

ClinVar aggregate classification (germline): Uncertain significance. Review status: criteria provided, multiple submitters, no conflicts (2 of 4 stars). 2 submissions from 2 submitters: Uncertain significance (2). Last evaluated 2025-12-11.

Conditions:
Inborn genetic diseases. Identifiers: MedGen C0950123, MeSH D030342.
Combined immunodeficiency due to LRBA deficiency. Also called: Common variable immunodeficiency 8, with autoimmunity. Identifiers: Orphanet 445018, MedGen C3553512, MONDO:0013863, OMIM 614700.

Allele frequency attached by ClinVar (database versions not stated): gnomAD 0.00001; ExAC 0.00002; gnomAD exomes 0.00002 and 0.00003; TOPMed 0.00002.
gnomAD v4.1: 36 of 1,609,928 alleles (0.0022%); highest among the groups gnomAD compares: Admixed American, 0.005%; no homozygotes.

Submissions (2):

Ambry Genetics
Classification: Uncertain significance for Inborn genetic diseases. Last evaluated: 2025-12-11. Review status: criteria provided, single submitter. Criteria: Ambry Variant Classification Scheme 2023. Collection method: clinical testing. Allele origin: germline.

Labcorp Genetics (formerly Invitae), Labcorp
Classification: Uncertain significance for Combined immunodeficiency due to LRBA deficiency. Last evaluated: 2021-07-21. Review status: criteria provided, single submitter. Criteria: Invitae Variant Classification Sherloc (09022015). Collection method: clinical testing. Allele origin: germline.
Comment: This variant is present in population databases (rs749572803, ExAC 0.005%). This sequence change replaces tyrosine with histidine at codon 2146 of the LRBA protein (p.Tyr2146His). The tyrosine residue is moderately conserved and there is a moderate physicochemical difference between tyrosine and histidine. This variant has not been reported in the literature in individuals with LRBA-related disease. In summary, the available evidence is currently insufficient to determine the role of this variant in disease. Therefore, it has been classified as a Variant of Uncertain Significance. Algorithms developed to predict the effect of missense changes on protein structure and function are either unavailable or do not agree on the potential impact of this missense change (SIFT: "Deleterious"; PolyPhen-2: "Probably Damaging"; Align-GVGD: "Class C0").

NM_001364905.1(LRBA):c.6403T>C (p.Tyr2135His)

Gene: LRBA (LPS responsive beige-like anchor protein; minus strand). Cytogenetic location: 4q31.3.
Variant type: single nucleotide variant.
Coding change: c.6403T>C on transcript NM_001364905.1 (MANE Select); coding-DNA position 6403, T replaced by C.
Protein change: p.Tyr2135His; replaces tyrosine 2135 with histidine.
Molecular consequence: missense variant.
Genome position (GRCh38, 1-based): chr4:150,490,963, A>G on the plus strand (T>C on the coding strand, the complement: LRBA is on the minus strand). VCF-style: chr4-150490963-A-G. GRCh37 (hg19) VCF-style: chr4-151412115-A-G.
Other names: c.6403T>C, p.Tyr2135His (NM_001199282.3, NM_001367550.1); c.6436T>C, p.Tyr2146His (NM_006726.5); short protein forms Y2146H, Y2135H.
Identifiers: ClinVar variation 648439 (VCV000648439.9), dbSNP rs749572803, ClinGen allele CA3101947.
Genomic context (GRCh38, chr4:150,490,963, plus strand): 5'-TCTGTAACACATTACCTCTGTTTGCCATAAAGATCTCCAGGGCTGTATTTTGCAAAAGAT[A>G]ACGACGAGAAAAGATTGATCGTATCTCTGTGAACAGCCATTTTCCATGCAGCCCTTCTGT-3'
Protein context (NP_001351834.1, residues 2125-2145): TEIRSIFSRR[Tyr2135His]LLQNTALEIF